The following is an entry in ClinVar:

NM_001001957.2(OR2W3):c.586G>A (p.Glu196Lys)

Gene: OR2W3 (olfactory receptor family 2 subfamily W member 3; plus strand). Cytogenetic location: 1q44.
Variant type: single nucleotide variant.
Coding change: c.586G>A on transcript NM_001001957.2 (MANE Select); coding-DNA position 586, G replaced by A.
Protein change: p.Glu196Lys; replaces glutamic acid 196 with lysine.
Molecular consequence: missense variant.
Genome position (GRCh38, 1-based): chr1:247,896,172, G>A. VCF-style: chr1-247896172-G-A. GRCh37 (hg19) VCF-style: chr1-248059474-G-A.
Other names: short protein forms E196K.
Identifiers: ClinVar variation 2175699 (VCV002175699.4), dbSNP rs201306772, ClinGen allele CA1498641.

ClinVar aggregate classification (germline): Uncertain significance (1 of 4 stars; one submission).

Allele frequency attached by ClinVar (database versions not stated): gnomAD exomes 0.00003; ExAC 0.00004; gnomAD 0.00005; TOPMed 0.00005; 1000 Genomes Project 30x 0.00031; 1000 Genomes Project 0.00040.

Submission:

Labcorp Genetics (formerly Invitae), Labcorp
Classification: Uncertain significance. Last evaluated: 2025-11-24. Review status: criteria provided, single submitter. Criteria: Invitae Variant Classification Sherloc (09022015). Collection method: clinical testing. Allele origin: germline.
Comment: This sequence change replaces glutamic acid, which is acidic and polar, with lysine, which is basic and polar, at codon 196 of the OR2W3 protein (p.Glu196Lys). This variant is present in population databases (rs201306772, gnomAD 0.006%). This variant has not been reported in the literature in individuals affected with OR2W3-related conditions. ClinVar contains an entry for this variant (Variation ID: 2175699). An algorithm developed to predict the effect of missense changes on protein structure and function (PolyPhen-2) suggests that this variant is likely to be disruptive. In summary, the available evidence is currently insufficient to determine the role of this variant in disease. Therefore, it has been classified as a Variant of Uncertain Significance.